The following is an entry in ClinVar:

NM_002230.4(JUP):c.1815C>T (p.Ala605=)

Gene: JUP (junction plakoglobin; minus strand). Cytogenetic location: 17q21.2.
Variant type: single nucleotide variant.
Coding change: c.1815C>T on transcript NM_002230.4 (MANE Select); coding-DNA position 1815, C replaced by T.
Protein change: p.Ala605=; no amino-acid change (alanine 605 retained).
Molecular consequence: synonymous variant.
Genome position (GRCh38, 1-based): chr17:41,757,743, G>A on the plus strand (C>T on the coding strand, the complement: JUP is on the minus strand). VCF-style: chr17-41757743-G-A. GRCh37 (hg19) VCF-style: chr17-39913995-G-A.
Other names: c.1815C>T, p.Ala605= (NM_001352773.2, NM_001352774.2, NM_001352775.2 and 3 more transcripts).
Identifiers: ClinVar variation 496451 (VCV000496451.16), dbSNP rs543862977, ClinGen allele CA8565102.

ClinVar aggregate classification (germline): Conflicting classifications of pathogenicity. Review status: criteria provided, conflicting classifications (1 of 4 stars). 6 submissions from 5 submitters: Uncertain significance (2); Benign (1); Likely benign (3). Last evaluated 2025-09-21.

Conditions:
Cardiovascular phenotype. Identifiers: MedGen CN230736.
Naxos disease (NXD). Also called: PALMOPLANTAR KERATODERMA WITH ARRHYTHMOGENIC RIGHT VENTRICULAR CARDIOMYOPATHY AND WOOLLY HAIR; WOOLLY HAIR, PALMOPLANTAR KERATODERMA, AND CARDIAC ABNORMALITIES; CARDIOMYOPATHY, ARRHYTHMOGENIC RIGHT VENTRICULAR, WITH SKIN, HAIR, AND NAIL ABNORMALITIES; KERATOSIS PALMOPLANTARIS WITH ARRHYTHMOGENIC CARDIOMYOPATHY; MAL DE NAXOS. Identifiers: Orphanet 34217, MedGen C1832600, MONDO:0011017, OMIM 601214.
Arrhythmogenic right ventricular dysplasia 12. Also called: ARRHYTHMOGENIC RIGHT VENTRICULAR DYSPLASIA, FAMILIAL, 12. Identifiers: MedGen C1969081, MONDO:0012684, OMIM 611528.

Allele frequency attached by ClinVar (database versions not stated): gnomAD 0.00001; TOPMed 0.00001; 1000 Genomes Project 30x 0.00016; 1000 Genomes Project 0.00020.
gnomAD v4.1: 42 of 1,612,738 alleles (0.0026%); highest among the groups gnomAD compares: East Asian, 0.011%; no homozygotes.

Submissions (6):

Labcorp Genetics (formerly Invitae), Labcorp
Classification: Likely benign for Arrhythmogenic right ventricular dysplasia 12; Naxos disease. Last evaluated: 2025-09-21. Review status: criteria provided, single submitter. Criteria: Invitae Variant Classification Sherloc (09022015). Collection method: clinical testing. Allele origin: germline.

GeneDx
Classification: Likely benign. Last evaluated: 2020-09-08. Review status: criteria provided, single submitter. Criteria: GeneDx Variant Classification Process June 2021. Collection method: clinical testing. Allele origin: germline. Affected: yes.

Ambry Genetics
Classification: Likely benign for Cardiovascular phenotype. Last evaluated: 2019-01-30. Review status: criteria provided, single submitter. Criteria: Ambry Variant Classification Scheme 2023. Collection method: clinical testing. Allele origin: germline.

Illumina Laboratory Services, Illumina
Classification: Uncertain significance for Naxos disease. Last evaluated: 2018-01-13. Review status: criteria provided, single submitter. Criteria: ICSL Variant Classification Criteria 13 December 2019. Collection method: clinical testing. Allele origin: germline.

Illumina Laboratory Services, Illumina
Classification: Uncertain significance for Arrhythmogenic right ventricular dysplasia 12. Last evaluated: 2018-01-13. Review status: criteria provided, single submitter. Criteria: ICSL Variant Classification Criteria 13 December 2019. Collection method: clinical testing. Allele origin: germline.

Women's Health and Genetics/Laboratory Corporation of America, LabCorp
Classification: Benign. Last evaluated: 2016-04-26. Review status: criteria provided, single submitter. Criteria: LabCorp Variant Classification Summary - May 2015. Collection method: clinical testing. Allele origin: germline.
Comment: Variant summary: The JUP c.1815C>T variant affects a non-conserved nucleotide, resulting in no amino acid change. Mutation Taster predicts a damaging outcome for this variant, but 5/5 Alamut algorithms predict no significant change to splicing. This variant was found in 4/115552 control chromosomes at a frequency of 0.0000346, which is about 3 times the maximal expected frequency of a pathogenic JUP allele (0.00001); the variant was found in mainly in South Asians (3/15146 S. Asian chromosomes; MAF 0.0002, which is 20-fold greater than the maximal expected pathogenic JUP allele frequency), suggesting this variant is benign. The variant of interest has not, to our knowledge, been reported in affected individuals via publications and/or reputable databases/clinical laboratories; nor evaluated for functional impact by in vivo/vitro studies. Taken together, this variant was classified as benign.